The following is an entry in ClinVar:

NM_016953.4(PDE11A):c.2599C>G (p.Arg867Gly)

Gene: PDE11A (phosphodiesterase 11A; minus strand). Cytogenetic location: 2q31.2.
Variant type: single nucleotide variant.
Coding change: c.2599C>G on transcript NM_016953.4 (MANE Select); coding-DNA position 2599, C replaced by G.
Protein change: p.Arg867Gly; replaces arginine 867 with glycine.
Molecular consequence: missense variant.
Genome position (GRCh38, 1-based): chr2:177,663,913, G>C on the plus strand (C>G on the coding strand, the complement: PDE11A is on the minus strand). VCF-style: chr2-177663913-G-C. GRCh37 (hg19) VCF-style: chr2-178528641-G-C.
Other names: c.1267C>G, p.Arg423Gly (NM_001077196.2); c.1849C>G, p.Arg617Gly (NM_001077197.2); c.1525C>G, p.Arg509Gly (NM_001077358.2); short protein forms R423G, R509G, R617G, R867G.
Identifiers: ClinVar variation 1235464 (VCV001235464.5), dbSNP rs61306957, ClinGen allele CA1981450.

ClinVar aggregate classification (germline): Benign. Review status: criteria provided, multiple submitters, no conflicts (2 of 4 stars). 3 submissions from 3 submitters: Benign (3). Last evaluated 2024-11-26.

Allele frequency attached by ClinVar (database versions not stated): TOPMed 0.02425; ESP Exome Variant Server 0.02606; 1000 Genomes Project 30x 0.03107; 1000 Genomes Project 0.03195.
gnomAD v4.1: 30,336 of 1,612,218 alleles (1.9%); highest among the groups gnomAD compares: South Asian, 7.6%; 597 homozygotes.

Submissions (3):

Blueprint Genetics
Classification: Benign. Last evaluated: 2024-11-26. Review status: criteria provided, single submitter. Criteria: ACMG Guidelines, 2015. Collection method: clinical testing. Allele origin: germline.

GeneDx
Classification: Benign. Last evaluated: 2020-08-20. Review status: criteria provided, single submitter. Criteria: GeneDx Variant Classification Process June 2021. Collection method: clinical testing. Allele origin: germline. Affected: yes.
Comment: This variant is associated with the following publications: (PMID: 17178847, 25525159, 23771924, 21047926, 18559625)

Breakthrough Genomics
Classification: Benign. Review status: criteria provided, single submitter. Criteria: ACMG Guidelines, 2015. Collection method: not provided. Allele origin: germline. Inheritance: Autosomal dominant inheritance. Affected: yes.